The following is an entry in ClinVar:

NM_024635.4(NAA35):c.1984C>T (p.His662Tyr)

Gene: NAA35 (N-alpha-acetyltransferase 35, NatC auxiliary subunit; plus strand). Cytogenetic location: 9q21.33.
Variant type: single nucleotide variant.
Coding change: c.1984C>T on transcript NM_024635.4 (MANE Select); coding-DNA position 1984, C replaced by T.
Protein change: p.His662Tyr; replaces histidine 662 with tyrosine.
Molecular consequence: missense variant.
Genome position (GRCh38, 1-based): chr9:86,018,768, C>T. VCF-style: chr9-86018768-C-T. GRCh37 (hg19) VCF-style: chr9-88633683-C-T.
Other names: c.1984C>T, p.His662Tyr (NM_001321881.2, NM_001321882.2); short protein forms H662Y.
Identifiers: ClinVar variation 2712263 (VCV002712263.3), dbSNP rs1832363876, ClinGen allele CA373942661.

ClinVar aggregate classification (germline): Uncertain significance (1 of 4 stars; one submission).

Allele frequency attached by ClinVar (database versions not stated): gnomAD exomes below 0.00001; gnomAD 0.00001; TOPMed 0.00001.
gnomAD v4.1: 5 of 1,613,954 alleles (0.00031%); highest among the groups gnomAD compares: Non-Finnish European, 0.00042%; no homozygotes.

Submission:

Labcorp Genetics (formerly Invitae), Labcorp
Classification: Uncertain significance. Last evaluated: 2023-06-20. Review status: criteria provided, single submitter. Criteria: Invitae Variant Classification Sherloc (09022015). Collection method: clinical testing. Allele origin: germline.
Comment: Algorithms developed to predict the effect of sequence changes on RNA splicing suggest that this variant may create or strengthen a splice site. In summary, the available evidence is currently insufficient to determine the role of this variant in disease. Therefore, it has been classified as a Variant of Uncertain Significance. An algorithm developed to predict the effect of missense changes on protein structure and function (PolyPhen-2) suggests that this variant is likely to be tolerated. This variant has not been reported in the literature in individuals affected with NAA35-related conditions. This variant is not present in population databases (gnomAD no frequency). This sequence change replaces histidine, which is basic and polar, with tyrosine, which is neutral and polar, at codon 662 of the NAA35 protein (p.His662Tyr).